The following is an entry in ClinVar:

ClinVar aggregate classification (germline): Uncertain significance. Review status: criteria provided, multiple submitters, no conflicts (2 of 4 stars). 8 submissions from 8 submitters: Uncertain significance (6). 2 of the submissions do not count toward it. Last evaluated 2025-11-30.

Conditions:
LOXHD1-related disorder. Also called: LOXHD1-related condition.
Autosomal recessive nonsyndromic hearing loss 77. Identifiers: Orphanet 90636, MedGen C2746083, MONDO:0013119, OMIM 613079.

Allele frequency attached by ClinVar (database versions not stated): gnomAD 0.00011 and 0.00014; TOPMed 0.00015; ESP Exome Variant Server 0.00022.
gnomAD v4.1: 165 of 1,551,524 alleles (0.011%); highest among the groups gnomAD compares: Non-Finnish European, 0.014%; no homozygotes.

Submissions (8):

PreventionGenetics, part of Exact Sciences
Classification: Uncertain significance for LOXHD1-related condition. Last evaluated: 2025-11-30. Review status: criteria provided, single submitter. Criteria: ACMG Guidelines, 2015. Collection method: clinical testing. Allele origin: germline.
Comment: The LOXHD1 c.1476G>T variant is predicted to result in the amino acid substitution p.Trp492Cys. This variant was reported together with second LOXHD1 variant in an individual with hearing loss (patient 9265, Table S1, Safka Brozkova et al. 2020. PubMed ID: 32860223). This variant is reported in 0.024% of alleles in individuals of European (Non-Finnish) descent in gnomAD. At this time, the clinical significance of this variant is uncertain due to the absence of conclusive functional and genetic evidence.

Blueprint Genetics
Classification: Uncertain significance. Last evaluated: 2024-10-16. Review status: criteria provided, single submitter. Criteria: ACMG Guidelines, 2015. Collection method: clinical testing. Allele origin: germline.

Labcorp Genetics (formerly Invitae), Labcorp
Classification: Uncertain significance. Last evaluated: 2022-08-09. Review status: criteria provided, single submitter. Criteria: Invitae Variant Classification Sherloc (09022015). Collection method: clinical testing. Allele origin: germline.
Comment: This sequence change replaces tryptophan, which is neutral and slightly polar, with cysteine, which is neutral and slightly polar, at codon 492 of the LOXHD1 protein (p.Trp492Cys). This variant is present in population databases (rs369682197, gnomAD 0.03%). This missense change has been observed in individual(s) with deafness (PMID: 32860223). ClinVar contains an entry for this variant (Variation ID: 163931). Algorithms developed to predict the effect of missense changes on protein structure and function are either unavailable or do not agree on the potential impact of this missense change (SIFT: "Deleterious"; PolyPhen-2: "Benign"; Align-GVGD: "Class C0"). In summary, the available evidence is currently insufficient to determine the role of this variant in disease. Therefore, it has been classified as a Variant of Uncertain Significance.

Fulgent Genetics
Classification: Uncertain significance for Autosomal recessive nonsyndromic hearing loss 77. Last evaluated: 2018-10-31. Review status: criteria provided, single submitter. Criteria: ACMG Guidelines, 2015. Collection method: clinical testing. Allele origin: unknown.

Illumina Laboratory Services, Illumina
Classification: Uncertain significance for Autosomal recessive nonsyndromic hearing loss 77. Last evaluated: 2018-01-13. Review status: criteria provided, single submitter. Criteria: ICSL Variant Classification Criteria 13 December 2019. Collection method: clinical testing. Allele origin: germline.

Laboratory for Molecular Medicine, Mass General Brigham Personalized Medicine
Classification: Uncertain significance. Last evaluated: 2014-11-10. Review status: criteria provided, single submitter. Criteria: LMM Criteria. Collection method: clinical testing. Allele origin: germline. Observed: 1 variant allele.
Comment: The p.Trp492Cys variant in LOXHD1 has not been previously reported in individual s with hearing loss, but has been identified in 1/3182 of European American chro mosomes by the NHLBI Exome Sequencing Project (dbSNP rs369682197). Although this variant has been seen in the general popula tion, its frequency is not high enough to rule out a pathogenic role. Computatio nal prediction tools and conservation analyses suggest that the p.Trp492Cys vari ant may impact the protein, though this information is not predictive enough to determine pathogenicity. In summary, the clinical significance of the p.Trp492Cy s variant is uncertain.

Natera, Inc.
Classification: Uncertain significance for Autosomal recessive deafness type 77. Last evaluated: 2020-01-24. Review status: no assertion criteria provided. Collection method: clinical testing. Allele origin: germline. Not counted in ClinVar's aggregate classification.

Counsyl
Classification: Uncertain significance for Autosomal recessive nonsyndromic hearing loss 77. Last evaluated: 2017-09-19. Review status: no assertion criteria provided. Collection method: clinical testing. Allele origin: unknown. Not counted in ClinVar's aggregate classification.

Literature cited by the submitters: PubMed 32860223 (cited by Labcorp Genetics (formerly Invitae), Labcorp).

NM_001384474.1(LOXHD1):c.1476G>T (p.Trp492Cys)

Gene: LOXHD1 (lipoxygenase homology PLAT domains 1; minus strand). Cytogenetic location: 18q21.1.
Variant type: single nucleotide variant.
Coding change: c.1476G>T on transcript NM_001384474.1 (MANE Select); coding-DNA position 1476, G replaced by T.
Protein change: p.Trp492Cys; replaces tryptophan 492 with cysteine.
Molecular consequence: missense variant.
Genome position (GRCh38, 1-based): chr18:46,592,540, C>A on the plus strand (G>T on the coding strand, the complement: LOXHD1 is on the minus strand). VCF-style: chr18-46592540-C-A. GRCh37 (hg19) VCF-style: chr18-44172503-C-A.
Other names: c.1476G>T, p.Trp492Cys (NM_144612.7); short protein forms W492C.
Identifiers: ClinVar variation 163931 (VCV000163931.15), dbSNP rs369682197, ClinGen allele CA176654.
Genomic context (GRCh38, chr18:46,592,540, plus strand): 5'-CAAGATGGTGCATCTCACCCTTTCTAAATGCCATCCAGAACCAGAACTCCTTTTATCATG[C>A]CATACTCGAATCTTATAAAACCTGCCAAGATCCGGGAGCTCAATCTATGGTGAGAAATAA-3'
Protein context (NP_001371403.1, residues 482-502): DLGRFYKIRV[Trp492Cys]HDKRSSGSGW